The following is an entry in ClinVar:

NM_007294.4(BRCA1):c.5467+20C>A

Gene: BRCA1 (BRCA1 DNA repair associated; minus strand). Cytogenetic location: 17q21.31.
Variant type: single nucleotide variant.
Coding change: c.5467+20C>A on transcript NM_007294.4 (MANE Select); 20 bases into the intron after coding-DNA position 5467, C replaced by A.
Molecular consequence: intron variant.
Genome position (GRCh38, 1-based): chr17:43,047,623, G>T on the plus strand (C>A on the coding strand, the complement: BRCA1 is on the minus strand). VCF-style: chr17-43047623-G-T. GRCh37 (hg19) VCF-style: chr17-41199640-G-T.
Other names: c.2152+20C>A (NM_001408400.1, NM_001408392.1, NM_001408397.1 and 7 more transcripts); c.2155+20C>A (NM_001407986.1, NM_001407979.1, NM_001407982.1 and 10 more transcripts); c.2221+20C>A (NM_001407972.1); c.5461+20C>A (NM_001407630.1, NM_001407633.1, NM_001407642.1 and 13 more transcripts); c.5464+20C>A (NM_001407615.1, NM_001407625.1, NM_001407619.1 and 14 more transcripts); c.5527+20C>A (NM_001407591.1, NM_001407590.1); c.2032+20C>A (NM_001408441.1, NM_001408437.1, NM_001408442.1 and 10 more transcripts); c.2035+20C>A (NM_001408429.1, NM_001408426.1, NM_001408430.1 and 4 more transcripts); and 83 more.
Identifiers: ClinVar variation 868543 (VCV000868543.6), dbSNP rs2050971586, ClinGen allele CA916080735.

ClinVar aggregate classification (germline): Likely benign (1 of 4 stars; one submission).

Conditions:
Hereditary breast ovarian cancer syndrome. Also called: Hereditary breast and ovarian cancer; Hereditary breast and ovarian cancer syndrome (HBOC); Breast and ovarian cancer; Hereditary breast and/or ovarian cancer syndrome; BRCA1- and BRCA2-Associated Hereditary Breast and Ovarian Cancer; Hereditary breast and ovarian cancer syndrome. Identifiers: Orphanet 145, MedGen C0677776, MeSH D061325, MONDO:0003582. Disease mechanism: loss of function.

Submissions (2):

Labcorp Genetics (formerly Invitae), Labcorp
Classification: Likely benign for Hereditary breast ovarian cancer syndrome. Last evaluated: 2022-11-09. Review status: criteria provided, single submitter. Criteria: Invitae Variant Classification Sherloc (09022015). Collection method: clinical testing. Allele origin: germline.

Brotman Baty Institute, University of Washington
No classification provided (evidence only). Condition: Breast-ovarian cancer, familial 1. Review status: no classification provided. Collection method: in vitro. Allele origin: not applicable. Functional consequence: functionally_normal. Not counted in ClinVar's aggregate classification.
ClinVar note: "not provided" was previously submitted as the classification for the variant. However, the classification appeared to be based only on an observation of functional data so it was converted to no classification on 2025-07-30.